The following is an entry in ClinVar:

ClinVar aggregate classification (germline): Uncertain significance (1 of 4 stars; one submission).

Conditions:
Mucopolysaccharidosis type 1. Also called: IDUA deficiency; MPS I. Identifiers: Orphanet 579, MedGen C0023786, MONDO:0001586.

gnomAD v4.1: 17 of 1,604,662 alleles (0.0011%); highest among the groups gnomAD compares: Non-Finnish European, 0.0014%; no homozygotes.

Submission:

Labcorp Genetics (formerly Invitae), Labcorp
Classification: Uncertain significance for Mucopolysaccharidosis type 1. Last evaluated: 2022-07-30. Review status: criteria provided, single submitter. Criteria: Invitae Variant Classification Sherloc (09022015). Collection method: clinical testing. Allele origin: germline.
Comment: This sequence change replaces leucine, which is neutral and non-polar, with valine, which is neutral and non-polar, at codon 237 of the IDUA protein (p.Leu237Val). This variant is present in population databases (rs74385837, gnomAD 0.002%). This variant has not been reported in the literature in individuals affected with IDUA-related conditions. Advanced modeling of protein sequence and biophysical properties (such as structural, functional, and spatial information, amino acid conservation, physicochemical variation, residue mobility, and thermodynamic stability) performed at Invitae indicates that this missense variant is expected to disrupt IDUA protein function. In summary, the available evidence is currently insufficient to determine the role of this variant in disease. Therefore, it has been classified as a Variant of Uncertain Significance.

NM_000203.5(IDUA):c.709C>G (p.Leu237Val)

Gene: IDUA (alpha-L-iduronidase; plus strand). Cytogenetic location: 4p16.3.
Variant type: single nucleotide variant.
Coding change: c.709C>G on transcript NM_000203.5 (MANE Select); coding-DNA position 709, C replaced by G.
Protein change: p.Leu237Val; replaces leucine 237 with valine.
Molecular consequence: missense variant. On other transcripts: non-coding transcript variant (1).
Genome position (GRCh38, 1-based): chr4:1,001,798, C>G. VCF-style: chr4-1001798-C-G. GRCh37 (hg19) VCF-style: chr4-995586-C-G.
Other names: c.313C>G, p.Leu105Val (NM_001363576.1); short protein forms L105V, L237V.
Identifiers: ClinVar variation 2069591 (VCV002069591.1), dbSNP rs74385837, ClinGen allele CA2802061.
Genomic context (GRCh38, chr4:1,001,798, plus strand): 5'-CGGCTGGGAGGCCCCGGCGACTCCTTCCACACCCCACCGCGATCCCCGCTGAGCTGGGGC[C>G]TCCTGCGCCACTGCCACGACGGTACCAACTTCTTCACTGGGGAGGCGGGCGTGCGGCTGG-3'
Protein context (NP_000194.2, residues 227-247): TPPRSPLSWG[Leu237Val]LRHCHDGTNF